The following is an entry in ClinVar:

ClinVar aggregate classification (germline): Likely benign (1 of 4 stars; one submission).

gnomAD v4.1: 1 of 1,602,424 alleles (0.000062%); highest among the groups gnomAD compares: South Asian, 0.0011%; no homozygotes.

Submission:

GeneDx
Classification: Likely benign. Last evaluated: 2016-02-15. Review status: criteria provided, single submitter. Criteria: GeneDx Variant Classification (06012015). Collection method: clinical testing. Allele origin: germline. Affected: yes.
Comment: This variant is considered likely benign or benign based on one or more of the following criteria: it is a conservative change, it occurs at a poorly conserved position in the protein, it is predicted to be benign by multiple in silico algorithms, and/or has population frequency not consistent with disease.

NM_000026.4(ADSL):c.-8G>A

Gene: ADSL (adenylosuccinate lyase; plus strand). Cytogenetic location: 22q13.1.
Variant type: single nucleotide variant.
Coding change: c.-8G>A on transcript NM_000026.4 (MANE Select); 8 bases upstream of the start codon, G replaced by A.
Molecular consequence: 5 prime UTR variant. On other transcripts: non-coding transcript variant (1).
Genome position (GRCh38, 1-based): chr22:40,346,551, G>A. VCF-style: chr22-40346551-G-A. GRCh37 (hg19) VCF-style: chr22-40742555-G-A.
Other names: c.-8G>A (NM_001123378.3, NM_001363840.3); c.-145G>A (NM_001317923.2).
Identifiers: ClinVar variation 383927 (VCV000383927.1), dbSNP rs560389412, ClinGen allele CA16608622.